The following is an entry in ClinVar:

ClinVar aggregate classification (germline): Benign/Likely benign. Review status: criteria provided, multiple submitters, no conflicts (2 of 4 stars). 8 submissions from 6 submitters: Benign (7); Likely benign (1). Last evaluated 2026-02-04.

Conditions:
Schwartz-Jampel syndrome. Also called: Myotonic myopathy dwarfism chondrodystrophy and ocular and facial abnormalities. Identifiers: Orphanet 800, MedGen C0036391, MONDO:0009717.
Lethal Kniest-like syndrome (DDSH). Also called: Dyssegmental Dysplasia. Identifiers: Orphanet 1865, MedGen C1857100, MONDO:0009140, OMIM 224410.

Allele frequency attached by ClinVar (database versions not stated): gnomAD exomes 0.07432 and 0.08269; 1000 Genomes Project 0.08606; 1000 Genomes Project 30x 0.08776; gnomAD 0.09977 and 0.10248; TOPMed 0.10203; ESP Exome Variant Server 0.10504; ExAC 0.12741.

Submissions (8):

Labcorp Genetics (formerly Invitae), Labcorp
Classification: Benign. Last evaluated: 2026-02-04. Review status: criteria provided, single submitter. Criteria: Invitae Variant Classification Sherloc (09022015). Collection method: clinical testing. Allele origin: germline.

Blueprint Genetics
Classification: Likely benign. Last evaluated: 2024-11-26. Review status: criteria provided, single submitter. Criteria: ACMG Guidelines, 2015. Collection method: clinical testing. Allele origin: germline.

Genome-Nilou Lab
Classification: Benign for Lethal Kniest-like syndrome. Last evaluated: 2021-08-10. Review status: criteria provided, single submitter. Criteria: ACMG Guidelines, 2015. Collection method: clinical testing. Allele origin: germline. Affected: no.

Genome-Nilou Lab
Classification: Benign for Schwartz-Jampel syndrome type 1. Last evaluated: 2021-08-10. Review status: criteria provided, single submitter. Criteria: ACMG Guidelines, 2015. Collection method: clinical testing. Allele origin: germline. Affected: no.

GeneDx
Classification: Benign. Last evaluated: 2018-08-25. Review status: criteria provided, single submitter. Criteria: GeneDx Variant Classification Process June 2021. Collection method: clinical testing. Allele origin: germline. Affected: yes.

Illumina Laboratory Services, Illumina
Classification: Benign for Schwartz-Jampel syndrome type 1. Last evaluated: 2018-01-12. Review status: criteria provided, single submitter. Criteria: ICSL Variant Classification Criteria 13 December 2019. Collection method: clinical testing. Allele origin: germline.
Comment: This variant was observed in the ICSL laboratory as part of a predisposition screen in an ostensibly healthy population. It had not been previously curated by ICSL or reported in the Human Gene Mutation Database (HGMD: prior to June 1st, 2018), and was therefore a candidate for classification through an automated scoring system. Utilizing variant allele frequency, disease prevalence and penetrance estimates, and inheritance mode, an automated score was calculated to assess if this variant is too frequent to cause the disease. Based on the score and internal cut-off values, a variant classified as benign is not then subjected to further curation. The score for this variant resulted in a classification of benign for this disease.

Illumina Laboratory Services, Illumina
Classification: Benign for Lethal Kniest-like syndrome. Last evaluated: 2018-01-12. Review status: criteria provided, single submitter. Criteria: ICSL Variant Classification Criteria 13 December 2019. Collection method: clinical testing. Allele origin: germline.
Comment: the same text as in the submission from Illumina Laboratory Services, Illumina above.

Breakthrough Genomics
Classification: Benign. Review status: criteria provided, single submitter. Criteria: ACMG Guidelines, 2015. Collection method: not provided. Allele origin: germline. Inheritance: Autosomal recessive inheritance. Affected: yes.

NM_005529.7(HSPG2):c.10260C>T (p.His3420=)

Gene: HSPG2 (heparan sulfate proteoglycan 2; minus strand). Cytogenetic location: 1p36.12.
Variant type: single nucleotide variant.
Coding change: c.10260C>T on transcript NM_005529.7 (MANE Select); coding-DNA position 10260, C replaced by T.
Protein change: p.His3420=; no amino-acid change (histidine 3420 retained).
Molecular consequence: synonymous variant.
Genome position (GRCh38, 1-based): chr1:21,836,897, G>A on the plus strand (C>T on the coding strand, the complement: HSPG2 is on the minus strand). VCF-style: chr1-21836897-G-A. GRCh37 (hg19) VCF-style: chr1-22163390-G-A.
Other names: c.10263C>T, p.His3421= (NM_001291860.2).
Identifiers: ClinVar variation 295741 (VCV000295741.17), dbSNP rs35444472, ClinGen allele CA670183.